The following is an entry in ClinVar:

NM_000179.3(MSH6):c.1488T>C (p.Cys496=)

Gene: MSH6 (mutS homolog 6; plus strand). Cytogenetic location: 2p16.3.
Variant type: single nucleotide variant.
Coding change: c.1488T>C on transcript NM_000179.3 (MANE Select); coding-DNA position 1488, T replaced by C.
Protein change: p.Cys496=; no amino-acid change (cysteine 496 retained).
Molecular consequence: synonymous variant. On other transcripts: non-coding transcript variant (4), intron variant (1).
Genome position (GRCh38, 1-based): chr2:47,799,471, T>C. VCF-style: chr2-47799471-T-C. GRCh37 (hg19) VCF-style: chr2-48026610-T-C.
Other names: c.1098T>C, p.Cys366= (NM_001281492.2); c.582T>C, p.Cys194= (NM_001281493.2, NM_001281494.2, NM_001406811.1 and 6 more transcripts); c.1584T>C, p.Cys528= (NM_001406795.1, NM_001406802.1); c.1488T>C, p.Cys496= (NM_001406796.1, NM_001406798.1, NM_001406800.1 and 4 more transcripts); c.1191T>C, p.Cys397= (NM_001406797.1, NM_001406801.1, NM_001406805.1 and 10 more transcripts); c.963T>C, p.Cys321= (NM_001406799.1, NM_001406806.1, NM_001406807.1); c.1410T>C, p.Cys470= (NM_001406804.1); c.1494T>C, p.Cys498= (NM_001406813.1); and 2 more.
Identifiers: ClinVar variation 1773725 (VCV001773725.5), dbSNP rs2104347271, ClinGen allele CA426121139.

ClinVar aggregate classification (germline): Likely benign. Review status: criteria provided, multiple submitters, no conflicts (2 of 4 stars). 3 submissions from 3 submitters: Likely benign (3). Last evaluated 2023-03-09.

Conditions:
Lynch syndrome. Identifiers: Orphanet 144, MedGen C4552100, MONDO:0005835. Disease mechanism: loss of function.
Hereditary cancer-predisposing syndrome. Also called: Hereditary Cancer Syndrome; Hereditary neoplastic syndrome; Neoplastic Syndromes, Hereditary; Tumor predisposition. Identifiers: Orphanet 140162, MedGen C0027672, MeSH D009386, MONDO:0015356.

Submissions (3):

All of Us Research Program, National Institutes of Health
Classification: Likely benign for Lynch syndrome. Last evaluated: 2023-03-09. Review status: criteria provided, single submitter. Criteria: ACMG Guidelines, 2015. Collection method: clinical testing. Allele origin: germline. Inheritance: Autosomal dominant inheritance. Observed: 1 variant allele, 1 heterozygote.
Comment: This study involves interpretation of variants in research participants for the purpose of population health screening. Participant phenotype was not available at the time of variant classification. Additional details can be found in publication PMID: 35346344, PMCID: PMC8962531

Color Diagnostics, LLC DBA Color Health
Classification: Likely benign for Hereditary cancer-predisposing syndrome. Last evaluated: 2022-03-31. Review status: criteria provided, single submitter. Criteria: ACMG Guidelines, 2015. Collection method: clinical testing. Allele origin: germline.

Ambry Genetics
Classification: Likely benign for Hereditary cancer-predisposing syndrome. Last evaluated: 2015-11-17. Review status: criteria provided, single submitter. Criteria: Ambry Variant Classification Scheme 2023. Collection method: clinical testing. Allele origin: germline.